The following is an entry in ClinVar:

NM_198253.3(TERT):c.1011C>G (p.Asp337Glu)

Gene: TERT (telomerase reverse transcriptase; minus strand). Cytogenetic location: 5p15.33.
Variant type: single nucleotide variant.
Coding change: c.1011C>G on transcript NM_198253.3 (MANE Select); coding-DNA position 1011, C replaced by G.
Protein change: p.Asp337Glu; replaces aspartic acid 337 with glutamic acid.
Molecular consequence: missense variant. On other transcripts: non-coding transcript variant (2).
Genome position (GRCh38, 1-based): chr5:1,293,875, G>C on the plus strand (C>G on the coding strand, the complement: TERT is on the minus strand). VCF-style: chr5-1293875-G-C. GRCh37 (hg19) VCF-style: chr5-1293990-G-C.
Other names: c.1011C>G, p.Asp337Glu (NM_001193376.3, NM_003219.1); short protein forms D337E.
Identifiers: ClinVar variation 1974457 (VCV001974457.7), dbSNP rs1751171784, ClinGen allele CA359055959.

ClinVar aggregate classification (germline): Uncertain significance. Review status: criteria provided, multiple submitters, no conflicts (2 of 4 stars). 2 submissions from 2 submitters: Uncertain significance (2). Last evaluated 2025-05-02.

Conditions:
Idiopathic Pulmonary Fibrosis. Also called: Idiopathic fibrosing alveolitis, chronic form; idiopathic fibrosing alveolitis. Identifiers: Orphanet 2032, MedGen C1800706, MeSH D054990, MONDO:0800504.
Dyskeratosis congenita, autosomal dominant 2. Identifiers: MedGen C3151443, MONDO:0013521, OMIM 613989.
Dyskeratosis congenita. Identifiers: Orphanet 1775, MedGen C0265965, MONDO:0015780.

Allele frequency attached by ClinVar (database versions not stated): gnomAD exomes below 0.00001.
gnomAD v4.1: 1 of 1,544,380 alleles (0.000065%); highest among the groups gnomAD compares: Non-Finnish European, 0.000087%; no homozygotes.

Submissions (2):

Ambry Genetics
Classification: Uncertain significance for Dyskeratosis congenita. Last evaluated: 2025-05-02. Review status: criteria provided, single submitter. Criteria: Ambry Variant Classification Scheme 2023. Collection method: clinical testing. Allele origin: germline.
Comment: The p.D337E variant (also known as c.1011C>G), located in coding exon 2 of the TERT gene, results from a C to G substitution at nucleotide position 1011. The aspartic acid at codon 337 is replaced by glutamic acid, an amino acid with highly similar properties. This amino acid position is conserved. In addition, this alteration is predicted to be tolerated by in silico analysis. Based on the available evidence, the clinical significance of this variant remains unclear.

Labcorp Genetics (formerly Invitae), Labcorp
Classification: Uncertain significance for Dyskeratosis congenita, autosomal dominant 2; Idiopathic Pulmonary Fibrosis. Last evaluated: 2023-08-10. Review status: criteria provided, single submitter. Criteria: Invitae Variant Classification Sherloc (09022015). Collection method: clinical testing. Allele origin: germline.
Comment: In summary, the available evidence is currently insufficient to determine the role of this variant in disease. Therefore, it has been classified as a Variant of Uncertain Significance. Advanced modeling of protein sequence and biophysical properties (such as structural, functional, and spatial information, amino acid conservation, physicochemical variation, residue mobility, and thermodynamic stability) has been performed at Invitae for this missense variant, however the output from this modeling did not meet the statistical confidence thresholds required to predict the impact of this variant on TERT protein function. ClinVar contains an entry for this variant (Variation ID: 1974457). This variant has not been reported in the literature in individuals affected with TERT-related conditions. This variant is not present in population databases (gnomAD no frequency). This sequence change replaces aspartic acid, which is acidic and polar, with glutamic acid, which is acidic and polar, at codon 337 of the TERT protein (p.Asp337Glu).